The following is an entry in ClinVar:

NM_015897.4(PIAS4):c.1197G>A (p.Leu399=)

Gene: PIAS4 (protein inhibitor of activated STAT 4; plus strand). Cytogenetic location: 19p13.3.
Variant type: single nucleotide variant.
Coding change: c.1197G>A on transcript NM_015897.4 (MANE Select); coding-DNA position 1197, G replaced by A.
Protein change: p.Leu399=; no amino-acid change (leucine 399 retained).
Molecular consequence: synonymous variant.
Genome position (GRCh38, 1-based): chr19:4,037,428, G>A. VCF-style: chr19-4037428-G-A. GRCh37 (hg19) VCF-style: chr19-4037426-G-A.
Identifiers: ClinVar variation 3031852 (VCV003031852.2), dbSNP rs10417750, ClinGen allele CA9090161.

ClinVar aggregate classification (germline): Likely benign (0 of 4 stars; one submission).

Conditions:
PIAS4-related disorder. Also called: PIAS4-related condition.

Allele frequency attached by ClinVar (database versions not stated): gnomAD exomes 0.00001; ExAC 0.00005; gnomAD 0.00007; TOPMed 0.00009; ESP Exome Variant Server 0.00015.
gnomAD v4.1: 18 of 1,611,568 alleles (0.0011%); highest among the groups gnomAD compares: African/African-American, 0.013%; no homozygotes.

Submission:

PreventionGenetics, part of Exact Sciences
Classification: Likely benign for PIAS4-related condition. Last evaluated: 2022-06-05. Review status: no assertion criteria provided. Collection method: clinical testing. Allele origin: germline.
Comment: This variant is classified as likely benign based on ACMG/AMP sequence variant interpretation guidelines (Richards et al. 2015 PMID: 25741868, with internal and published modifications).